The following is an entry in ClinVar:

NM_001173393.3(HAVCR1):c.46+5G>A

Gene: HAVCR1 (hepatitis A virus cellular receptor 1; minus strand). Cytogenetic location: 5q33.3.
Variant type: single nucleotide variant.
Coding change: c.46+5G>A on transcript NM_001173393.3 (MANE Select); 5 bases into the intron after coding-DNA position 46, G replaced by A.
Molecular consequence: intron variant.
Genome position (GRCh38, 1-based): chr5:157,057,893, C>T on the plus strand (G>A on the coding strand, the complement: HAVCR1 is on the minus strand). VCF-style: chr5-157057893-C-T. GRCh37 (hg19) VCF-style: chr5-156484904-C-T.
Other names: c.46+5G>A (NM_001308156.2, NM_012206.3).
Identifiers: ClinVar variation 3040665 (VCV003040665.2), dbSNP rs369161917, ClinGen allele CA3531725.

ClinVar aggregate classification (germline): Likely benign (0 of 4 stars; one submission).

Conditions:
HAVCR1-related disorder. Also called: HAVCR1-related condition.

Allele frequency attached by ClinVar (database versions not stated): gnomAD exomes 0.00005; ExAC 0.00020; ESP Exome Variant Server 0.00033; gnomAD 0.00058; TOPMed 0.00060; 1000 Genomes Project 0.00120; 1000 Genomes Project 30x 0.00141.
gnomAD v4.1: 156 of 1,612,084 alleles (0.0097%); highest among the groups gnomAD compares: African/African-American, 0.19%; no homozygotes.

Submission:

PreventionGenetics, part of Exact Sciences
Classification: Likely benign for HAVCR1-related condition. Last evaluated: 2019-10-28. Review status: no assertion criteria provided. Collection method: clinical testing. Allele origin: germline.
Comment: This variant is classified as likely benign based on ACMG/AMP sequence variant interpretation guidelines (Richards et al. 2015 PMID: 25741868, with internal and published modifications).